The following is an entry in ClinVar:

ClinVar aggregate classification (germline): Uncertain significance (1 of 4 stars; one submission).

Conditions:
Arrhythmogenic cardiomyopathy with wooly hair and keratoderma. Also called: Carvajal syndrome; Arrhythmogenic cardiomyopathy with woolly hair and keratoderma; Dilated cardiomyopathy with woolly hair and keratoderma; PALMOPLANTAR KERATODERMA WITH LEFT VENTRICULAR CARDIOMYOPATHY AND WOOLLY HAIR. Identifiers: Orphanet 65282, MedGen C1854063, MONDO:0011581, OMIM 605676.
Arrhythmogenic right ventricular dysplasia 8 (ARVD8). Also called: Arrhythmogenic Right Ventricular Dysplasia/Cardiomyopathy 8; ARRHYTHMOGENIC RIGHT VENTRICULAR DYSPLASIA, FAMILIAL, 8; ARRHYTHMOGENIC RIGHT VENTRICULAR CARDIOMYOPATHY 8. Identifiers: MedGen C1843896, MONDO:0011831, OMIM 607450.

Submission:

Labcorp Genetics (formerly Invitae), Labcorp
Classification: Uncertain significance for Arrhythmogenic cardiomyopathy with wooly hair and keratoderma; Arrhythmogenic right ventricular dysplasia 8. Last evaluated: 2022-11-29. Review status: criteria provided, single submitter. Criteria: Invitae Variant Classification Sherloc (09022015). Collection method: clinical testing. Allele origin: germline.
Comment: This sequence change replaces glycine, which is neutral and non-polar, with valine, which is neutral and non-polar, at codon 2537 of the DSP protein (p.Gly2537Val). This variant is not present in population databases (gnomAD no frequency). This variant has not been reported in the literature in individuals affected with DSP-related conditions. In summary, the available evidence is currently insufficient to determine the role of this variant in disease. Therefore, it has been classified as a Variant of Uncertain Significance. Algorithms developed to predict the effect of missense changes on protein structure and function are either unavailable or do not agree on the potential impact of this missense change (SIFT: "Deleterious"; PolyPhen-2: "Probably Damaging"; Align-GVGD: "Class C0").

NM_004415.4(DSP):c.7610G>T (p.Gly2537Val)

Gene: DSP (desmoplakin; plus strand). Cytogenetic location: 6p24.3.
Variant type: single nucleotide variant.
Coding change: c.7610G>T on transcript NM_004415.4 (MANE Select); coding-DNA position 7610, G replaced by T.
Protein change: p.Gly2537Val; replaces glycine 2537 with valine.
Molecular consequence: missense variant.
Genome position (GRCh38, 1-based): chr6:7,584,872, G>T. VCF-style: chr6-7584872-G-T. GRCh37 (hg19) VCF-style: chr6-7585105-G-T.
Other names: c.5813G>T, p.Gly1938Val (NM_001008844.3); c.6281G>T, p.Gly2094Val (NM_001319034.2); short protein forms G2094V, G1938V, G2537V.
Identifiers: ClinVar variation 2127861 (VCV002127861.4), dbSNP rs2533946984, ClinGen allele CA362693392.